The following is an entry in ClinVar:

NM_000493.4(COL10A1):c.200C>G (p.Pro67Arg)

Genes: COL10A1 (collagen type X alpha 1 chain; minus strand), NT5DC1 (5'-nucleotidase domain containing 1; plus strand). Cytogenetic location: 6q22.1.
Variant type: single nucleotide variant.
Coding change: c.200C>G on transcript NM_000493.4 (MANE Select); coding-DNA position 200, C replaced by G.
Protein change: p.Pro67Arg; replaces proline 67 with arginine.
Molecular consequence: missense variant. On other transcripts: intron variant (1).
Genome position (GRCh38, 1-based): chr6:116,121,916, G>C on the plus strand (C>G on the coding strand, the complement: COL10A1 is on the minus strand). VCF-style: chr6-116121916-G-C. GRCh37 (hg19) VCF-style: chr6-116443079-G-C.
Other names: c.200C>G, p.Pro67Arg (NM_001424106.1, NM_001424107.1); c.529+3971G>C (NM_152729.3); short protein forms P67R.
Identifiers: ClinVar variation 1375305 (VCV001375305.6), dbSNP rs2114293425, ClinGen allele CA365397047.

ClinVar aggregate classification (germline): Uncertain significance (1 of 4 stars; one submission).

Submission:

Labcorp Genetics (formerly Invitae), Labcorp
Classification: Uncertain significance. Last evaluated: 2023-12-06. Review status: criteria provided, single submitter. Criteria: Invitae Variant Classification Sherloc (09022015). Collection method: clinical testing. Allele origin: germline.
Comment: This sequence change replaces proline, which is neutral and non-polar, with arginine, which is basic and polar, at codon 67 of the COL10A1 protein (p.Pro67Arg). This variant is not present in population databases (gnomAD no frequency). This variant has not been reported in the literature in individuals affected with COL10A1-related conditions. ClinVar contains an entry for this variant (Variation ID: 1375305). Advanced modeling of protein sequence and biophysical properties (such as structural, functional, and spatial information, amino acid conservation, physicochemical variation, residue mobility, and thermodynamic stability) performed at Invitae indicates that this missense variant is not expected to disrupt COL10A1 protein function with a negative predictive value of 80%. In summary, the available evidence is currently insufficient to determine the role of this variant in disease. Therefore, it has been classified as a Variant of Uncertain Significance.